The following is an entry in ClinVar:

NM_002905.5(RDH5):c.200A>C (p.Asp67Ala)

Genes: BLOC1S1-RDH5 (BLOC1S1-RDH5 readthrough; plus strand), RDH5 (retinol dehydrogenase 5; plus strand). Cytogenetic location: 12q13.2.
Variant type: single nucleotide variant.
Coding change: c.200A>C on transcript NM_002905.5 (MANE Select); coding-DNA position 200, A replaced by C.
Protein change: p.Asp67Ala; replaces aspartic acid 67 with alanine.
Molecular consequence: missense variant.
Genome position (GRCh38, 1-based): chr12:55,721,384, A>C. VCF-style: chr12-55721384-A-C. GRCh37 (hg19) VCF-style: chr12-56115168-A-C.
Other names: c.200A>C, p.Asp67Ala (NM_001199771.3); short protein forms D67A.
Identifiers: ClinVar variation 866017 (VCV000866017.13), dbSNP rs114473507, ClinGen allele CA6616767.
Genomic context (GRCh38, chr12:55,721,384, plus strand): 5'-AGCTGGACCAGAGAGGCTTCCGAGTCCTGGCCAGCTGCCTGACCCCCTCCGGGGCCGAGG[A>C]CCTGCAGCGGGTGGCCTCCTCCCGCCTCCACACCACCCTGTTGGATATCACTGATCCCCA-3'
Protein context (NP_002896.2, residues 57-77): ASCLTPSGAE[Asp67Ala]LQRVASSRLH

ClinVar aggregate classification (germline): Conflicting classifications of pathogenicity. Review status: criteria provided, conflicting classifications (1 of 4 stars). 4 submissions from 4 submitters: Uncertain significance (2); Benign (2). Last evaluated 2026-06-15.

Conditions:
Inborn genetic diseases. Identifiers: MedGen C0950123, MeSH D030342.
Pigmentary retinal dystrophy. Also called: Fundus albipunctatus. Identifiers: Orphanet 227796, Orphanet 52427, MedGen C0311338, MONDO:0007639, OMIM 136880, HP:0030642.

Allele frequency attached by ClinVar (database versions not stated): gnomAD exomes 0.00016 and 0.00044; 1000 Genomes Project 0.00280; gnomAD 0.00164 and 0.00171; ExAC 0.00054; ESP Exome Variant Server 0.00161; 1000 Genomes Project 30x 0.00297; TOPMed 0.00167.

Submissions (4):

Ambry Genetics
Classification: Uncertain significance for Inborn genetic diseases. Last evaluated: 2026-06-15. Review status: criteria provided, single submitter. Criteria: Ambry Variant Classification Scheme 2023. Collection method: clinical testing. Allele origin: germline.
Comment: The c.200A>C (p.D67A) alteration is located in exon 2 (coding exon 1) of the RDH5 gene. This alteration results from a A to C substitution at nucleotide position 200, causing the aspartic acid (D) at amino acid position 67 to be replaced by an alanine (A). Based on data from gnomAD, the C allele has an overall frequency of 0.058% (162/281780) total alleles studied. The highest observed frequency was 0.605% (150/24808) of African alleles. Based on insufficient or conflicting evidence, the clinical significance of this alteration remains unclear.

Labcorp Genetics (formerly Invitae), Labcorp
Classification: Benign. Last evaluated: 2026-01-05. Review status: criteria provided, single submitter. Criteria: Invitae Variant Classification Sherloc (09022015). Collection method: clinical testing. Allele origin: germline.

Blueprint Genetics
Classification: Benign. Last evaluated: 2024-07-30. Review status: criteria provided, single submitter. Criteria: ACMG Guidelines, 2015. Collection method: clinical testing. Allele origin: germline.

Department of Pathology and Laboratory Medicine, Sinai Health System
Classification: Uncertain significance for Pigmentary retinal dystrophy. Last evaluated: 2021-07-30. Review status: criteria provided, single submitter. Criteria: ACMG Guidelines, 2015. Collection method: research. Allele origin: germline.